The following is an entry in ClinVar:

ClinVar aggregate classification (germline): Likely benign. Review status: criteria provided, multiple submitters, no conflicts (2 of 4 stars). 2 submissions from 2 submitters: Likely benign (2). Last evaluated 2025-10-21.

Conditions:
Oligodontia-cancer predisposition syndrome. Also called: TOOTH AGENESIS-COLORECTAL CANCER SYNDROME. Identifiers: Orphanet 300576, MedGen C1837750, MONDO:0012075, OMIM 608615. Disease mechanism: loss of function.

Submissions (2):

Labcorp Genetics (formerly Invitae), Labcorp
Classification: Likely benign for Oligodontia-cancer predisposition syndrome. Last evaluated: 2025-10-21. Review status: criteria provided, single submitter. Criteria: Invitae Variant Classification Sherloc (09022015). Collection method: clinical testing. Allele origin: germline.

Myriad Genetics, Inc.
Classification: Likely benign for Oligodontia-cancer predisposition syndrome. Last evaluated: 2024-07-08. Review status: criteria provided, single submitter. Criteria: Myriad Autosomal Dominant, Autosomal Recessive and X-Linked Classification Criteria (2023). Collection method: clinical testing. Allele origin: unknown.
Comment: This variant is considered likely benign. This variant is intronic and is not expected to impact mRNA splicing.

NM_004655.4(AXIN2):c.1907+10_1907+11delinsAA

Gene: AXIN2 (axin 2; minus strand). Cytogenetic location: 17q24.1.
Variant type: Indel.
Coding change: c.1907+10_1907+11delinsAA on transcript NM_004655.4 (MANE Select); bases 10 to 11 of the intron after coding-DNA position 1907, GC replaced by AA.
Molecular consequence: intron variant.
Genome position (GRCh38, 1-based): chr17:65,536,858-65,536,859, GC replaced by TT on the plus strand (GC replaced by AA on the coding strand, the reverse complement: AXIN2 is on the minus strand). VCF-style: chr17-65536858-GC-TT. GRCh37 (hg19) VCF-style: chr17-63532976-GC-TT.
Other names: c.1713-306_1713-305delinsAA (NM_001363813.1).
Identifiers: ClinVar variation 742845 (VCV000742845.9), dbSNP rs1598097641, ClinGen allele CA915952169.